The following is an entry in ClinVar:

ClinVar aggregate classification (germline): Uncertain significance (1 of 4 stars; one submission).

Conditions:
Hereditary nonpolyposis colorectal neoplasms. Identifiers: MedGen C0009405, MeSH D003123.

Submission:

Labcorp Genetics (formerly Invitae), Labcorp
Classification: Uncertain significance for Hereditary nonpolyposis colorectal neoplasms. Last evaluated: 2022-06-28. Review status: criteria provided, single submitter. Criteria: Invitae Variant Classification Sherloc (09022015). Collection method: clinical testing. Allele origin: germline.
Comment: In summary, the available evidence is currently insufficient to determine the role of this variant in disease. Therefore, it has been classified as a Variant of Uncertain Significance. Algorithms developed to predict the effect of missense changes on protein structure and function are either unavailable or do not agree on the potential impact of this missense change (SIFT: "Deleterious"; PolyPhen-2: "Possibly Damaging"; Align-GVGD: "Class C0"). This variant has not been reported in the literature in individuals affected with MSH6-related conditions. This variant is not present in population databases (gnomAD no frequency). This sequence change replaces cysteine, which is neutral and slightly polar, with tyrosine, which is neutral and polar, at codon 687 of the MSH6 protein (p.Cys687Tyr).

NM_000179.3(MSH6):c.2060G>A (p.Cys687Tyr)

Gene: MSH6 (mutS homolog 6; plus strand). Cytogenetic location: 2p16.3.
Variant type: single nucleotide variant.
Coding change: c.2060G>A on transcript NM_000179.3 (MANE Select); coding-DNA position 2060, G replaced by A.
Protein change: p.Cys687Tyr; replaces cysteine 687 with tyrosine.
Molecular consequence: missense variant.
Genome position (GRCh38, 1-based): chr2:47,800,043, G>A. VCF-style: chr2-47800043-G-A. GRCh37 (hg19) VCF-style: chr2-48027182-G-A.
Other names: c.1670G>A, p.Cys557Tyr (NM_001281492.2); c.1154G>A, p.Cys385Tyr (NM_001281493.2, NM_001281494.2, NM_001406814.1 and 6 more transcripts); c.2156G>A, p.Cys719Tyr (NM_001406795.1, NM_001406802.1); c.2060G>A, p.Cys687Tyr (NM_001406796.1, NM_001406798.1, NM_001406800.1 and 3 more transcripts); c.1763G>A, p.Cys588Tyr (NM_001406797.1, NM_001406801.1, NM_001406818.1 and 10 more transcripts); c.1535G>A, p.Cys512Tyr (NM_001406799.1, NM_001406806.1, NM_001406807.1); c.1892G>A, p.Cys631Tyr (NM_001406826.1); c.1982G>A, p.Cys661Tyr (NM_001406804.1); and 1 more; short protein forms C631Y, C687Y, C689Y, C719Y, C557Y, C588Y, C385Y, C661Y.
Identifiers: ClinVar variation 2045194 (VCV002045194.4), dbSNP rs1553413433, ClinGen allele CA346750776.